The following is an entry in ClinVar:

NM_000020.3(ACVRL1):c.1378-69C>A

Gene: ACVRL1 (activin A receptor like type 1; plus strand). Cytogenetic location: 12q13.13.
Variant type: single nucleotide variant.
Coding change: c.1378-69C>A on transcript NM_000020.3 (MANE Select); 69 bases into the intron before coding-DNA position 1378, C replaced by A.
Molecular consequence: intron variant.
Genome position (GRCh38, 1-based): chr12:51,920,690, C>A. VCF-style: chr12-51920690-C-A. GRCh37 (hg19) VCF-style: chr12-52314474-C-A.
Other names: c.1378-69C>A (NM_000020.2, NM_001406487.1, NM_001077401.2); c.1066-69C>A (NM_001406491.1, NM_001406492.1); c.1222-69C>A (NM_001406490.1); c.868-69C>A (NM_001406494.1); c.814-69C>A (NM_001406495.1).
Identifiers: ClinVar variation 3364590 (VCV003364590.5).

ClinVar aggregate classification (germline): Conflicting classifications of pathogenicity. Review status: criteria provided, conflicting classifications (1 of 4 stars). 4 submissions from 4 submitters: Pathogenic (3); Uncertain significance (1). Last evaluated 2025-12-19.

Conditions:
Telangiectasia, hereditary hemorrhagic, type 2 (HHT2). Also called: ACVRL1-Related Hereditary Hemorrhagic Telangiectasia; Telangiectasia, hereditary hemorrhagic, type II. Identifiers: Orphanet 774, MedGen C1838163, MONDO:0010880, OMIM 600376. Disease mechanism: loss of function.
ACVRL1-related disorder. Also called: ACVRL1-related disorders; ACVRL1-related condition.

Submissions (4):

PreventionGenetics, part of Exact Sciences
Classification: Pathogenic for ACVRL1-related condition. Last evaluated: 2025-12-19. Review status: criteria provided, single submitter. Criteria: ACMG Guidelines, 2015. Collection method: clinical testing. Allele origin: germline.
Comment: The ACVRL1 c.1378-69C>A variant is predicted to interfere with splicing. This variant has been reported in multiple unrelated individuals with hereditary hemorrhagic telangiectasia (HHT) (Wooderchak-Donahue et al. 2018. PubMed ID: 30244195). This alteration is predicted to affect splicing by creating a new deep intronic "AG" acceptor site, and functional studies have demonstrated that this variant results in partial retention of intron 9 disrupting the ACVRL1 protein sequence (Wooderchak-Donahue et al. 2018. PubMed ID: 30244195). This variant has not been reported in a large population database (gnomAD), indicating this variant is rare. This variant is interpreted as pathogenic.

Labcorp Genetics (formerly Invitae), Labcorp
Classification: Pathogenic for Telangiectasia, hereditary hemorrhagic, type 2. Last evaluated: 2025-11-01. Review status: criteria provided, single submitter. Criteria: Invitae Variant Classification Sherloc (09022015). Collection method: clinical testing. Allele origin: germline.
Comment: This sequence change falls in intron 9 of the ACVRL1 gene. It does not directly change the encoded amino acid sequence of the ACVRL1 protein. This variant is not present in population databases (gnomAD no frequency). This variant has been observed in individual(s) with hereditary hemorrhagic telangiectasia (PMID: 30244195; external communication, internal data). ClinVar contains an entry for this variant (Variation ID: 3364590). Algorithms developed to predict the effect of sequence changes on RNA splicing suggest that this variant may disrupt the consensus splice site. For these reasons, this variant has been classified as Pathogenic.

GeneDx
Classification: Uncertain significance. Last evaluated: 2024-04-19. Review status: criteria provided, single submitter. Criteria: GeneDx Variant Classification Process June 2021. Collection method: clinical testing. Allele origin: germline. Affected: yes.
Comment: RNA studies show a damaging effect through partial retention of intervening sequence 9 (IVS9) (PMID: 30244195); No data available from control populations to assess the frequency of this variant; This variant is associated with the following publications: (PMID: 30244195)

ARUP Laboratories, Molecular Genetics and Genomics, ARUP Laboratories
Classification: Pathogenic for Telangiectasia, hereditary hemorrhagic, type 2. Last evaluated: 2023-12-18. Review status: criteria provided, single submitter. Criteria: ARUP Molecular Germline Variant Investigation Process 2024. Collection method: clinical testing. Allele origin: germline.
Comment: The ACVRL1 c.1378-69C>A variant is reported in the literature in individuals affected with hereditary haemorrhagic telangiectasia (Wooderchak-Donahue 2018). This variant is also absent from the Genome Aggregation Database (v2.1.1), indicating it is not a common polymorphism. This is an intronic variant, and computational analyses (Alamut Visual Plus v.1.5.1) predict that this variant may impact splicing by creating a novel cryptic acceptor splice site. Functional analyses of patient RNA demonstrate partial retention of intron 9 leading to a frameshift, so it is predicted to result in a truncated protein or mRNA subject to nonsense-mediated decay (Wooderchak-Donahue 2018). Based on available information, this variant is considered to be pathogenic. References: Wooderchak-Donahue WL et al. Genome sequencing reveals a deep intronic splicing ACVRL1 mutation hotspot in Hereditary Haemorrhagic Telangiectasia. J Med Genet. 2018 Dec;55(12):824-830. PMID: 30244195.

Literature cited by the submitters: PubMed 30244195 (cited by Labcorp Genetics (formerly Invitae), Labcorp).